The following is an entry in ClinVar:

ClinVar aggregate classification (germline): Uncertain significance (1 of 4 stars; one submission).

Conditions:
Dilated cardiomyopathy 1Z (CMD1Z). Identifiers: Orphanet 154, MedGen C2678475, MONDO:0012745, OMIM 611879.
Hypertrophic cardiomyopathy 13. Also called: TNNC1-Related Familial Hypertrophic Cardiomyopathy. Identifiers: MedGen C2750472, MONDO:0013195, OMIM 613243.

Submission:

Labcorp Genetics (formerly Invitae), Labcorp
Classification: Uncertain significance for Hypertrophic cardiomyopathy 13; Dilated cardiomyopathy 1Z. Last evaluated: 2020-08-26. Review status: criteria provided, single submitter. Criteria: Invitae Variant Classification Sherloc (09022015). Collection method: clinical testing. Allele origin: germline.
Comment: This sequence change replaces isoleucine with methionine at codon 112 of the TNNC1 protein (p.Ile112Met). The isoleucine residue is highly conserved and there is a small physicochemical difference between isoleucine and methionine. This variant is not present in population databases (ExAC no frequency). This variant has not been reported in the literature in individuals with TNNC1-related conditions. Algorithms developed to predict the effect of missense changes on protein structure and function are either unavailable or do not agree on the potential impact of this missense change (SIFT: "Deleterious"; PolyPhen-2: "Probably Damaging"; Align-GVGD: "Class C0"). In summary, the available evidence is currently insufficient to determine the role of this variant in disease. Therefore, it has been classified as a Variant of Uncertain Significance.

NM_003280.3(TNNC1):c.336C>G (p.Ile112Met)

Gene: TNNC1 (troponin C1, slow skeletal and cardiac type; minus strand). Cytogenetic location: 3p21.1.
Variant type: single nucleotide variant.
Coding change: c.336C>G on transcript NM_003280.3 (MANE Select); coding-DNA position 336, C replaced by G.
Protein change: p.Ile112Met; replaces isoleucine 112 with methionine.
Molecular consequence: missense variant.
Genome position (GRCh38, 1-based): chr3:52,451,509, G>C on the plus strand (C>G on the coding strand, the complement: TNNC1 is on the minus strand). VCF-style: chr3-52451509-G-C. GRCh37 (hg19) VCF-style: chr3-52485525-G-C.
Other names: short protein forms I112M.
Identifiers: ClinVar variation 1046665 (VCV001046665.5), dbSNP rs763584637, ClinGen allele CA353166085.